The following is an entry in ClinVar:

NM_002775.5(HTRA1):c.77G>C (p.Arg26Pro)

Gene: HTRA1 (HtrA serine peptidase 1; plus strand). Cytogenetic location: 10q26.13.
Variant type: single nucleotide variant.
Coding change: c.77G>C on transcript NM_002775.5 (MANE Select); coding-DNA position 77, G replaced by C.
Protein change: p.Arg26Pro; replaces arginine 26 with proline.
Molecular consequence: missense variant.
Genome position (GRCh38, 1-based): chr10:122,461,729, G>C. VCF-style: chr10-122461729-G-C. GRCh37 (hg19) VCF-style: chr10-124221245-G-C.
Other names: short protein forms R26P.
Identifiers: ClinVar variation 4711627 (VCV004711627.1).

ClinVar aggregate classification (germline): Uncertain significance (1 of 4 stars; one submission).

gnomAD v4.1: 20 of 1,181,664 alleles (0.0017%); highest among the groups gnomAD compares: East Asian, 0.081%; no homozygotes.

Submission:

Labcorp Genetics (formerly Invitae), Labcorp
Classification: Uncertain significance. Last evaluated: 2025-07-06. Review status: criteria provided, single submitter. Criteria: Invitae Variant Classification Sherloc (09022015). Collection method: clinical testing. Allele origin: germline.
Comment: This sequence change replaces arginine, which is basic and polar, with proline, which is neutral and non-polar, at codon 26 of the HTRA1 protein (p.Arg26Pro). This variant is not present in population databases (gnomAD no frequency). This variant has not been reported in the literature in individuals affected with HTRA1-related conditions. Invitae Evidence Modeling of protein sequence and biophysical properties (such as structural, functional, and spatial information, amino acid conservation, physicochemical variation, residue mobility, and thermodynamic stability) indicates that this missense variant is not expected to disrupt HTRA1 protein function with a negative predictive value of 95%. In summary, the available evidence is currently insufficient to determine the role of this variant in disease. Therefore, it has been classified as a Variant of Uncertain Significance.